The following is an entry in ClinVar:

ClinVar aggregate classification (germline): Uncertain significance (1 of 4 stars; one submission).

Allele frequency attached by ClinVar (database versions not stated): TOPMed below 0.00001; gnomAD 0.00001 and 0.00002; gnomAD exomes 0.00001 and 0.00002; ExAC 0.00003; 1000 Genomes Project 0.00020; 1000 Genomes Project 30x 0.00031.

Submission:

Labcorp Genetics (formerly Invitae), Labcorp
Classification: Uncertain significance. Last evaluated: 2021-03-25. Review status: criteria provided, single submitter. Criteria: Invitae Variant Classification Sherloc (09022015). Collection method: clinical testing. Allele origin: germline.
Comment: This sequence change replaces proline with leucine at codon 450 of the ZNF408 protein (p.Pro450Leu). The proline residue is highly conserved and there is a moderate physicochemical difference between proline and leucine. This variant is present in population databases (rs199859092, ExAC 0.005%). This variant has not been reported in the literature in individuals with ZNF408-related conditions. Algorithms developed to predict the effect of missense changes on protein structure and function (SIFT, PolyPhen-2, Align-GVGD) all suggest that this variant is likely to be disruptive, but these predictions have not been confirmed by published functional studies and their clinical significance is uncertain. In summary, the available evidence is currently insufficient to determine the role of this variant in disease. Therefore, it has been classified as a Variant of Uncertain Significance.

NM_024741.3(ZNF408):c.1349C>T (p.Pro450Leu)

Gene: ZNF408 (zinc finger protein 408; plus strand). Cytogenetic location: 11p11.2.
Variant type: single nucleotide variant.
Coding change: c.1349C>T on transcript NM_024741.3 (MANE Select); coding-DNA position 1349, C replaced by T.
Protein change: p.Pro450Leu; replaces proline 450 with leucine.
Molecular consequence: missense variant.
Genome position (GRCh38, 1-based): chr11:46,705,049, C>T. VCF-style: chr11-46705049-C-T. GRCh37 (hg19) VCF-style: chr11-46726599-C-T.
Other names: c.1325C>T, p.Pro442Leu (NM_001184751.2); short protein forms P442L, P450L.
Identifiers: ClinVar variation 1046713 (VCV001046713.9), dbSNP rs199859092, ClinGen allele CA5966549.